The following is an entry in ClinVar:

NM_198578.4(LRRK2):c.404G>T (p.Gly135Val)

Gene: LRRK2 (leucine rich repeat kinase 2; plus strand). Cytogenetic location: 12q12.
Variant type: single nucleotide variant.
Coding change: c.404G>T on transcript NM_198578.4 (MANE Select); coding-DNA position 404, G replaced by T.
Protein change: p.Gly135Val; replaces glycine 135 with valine.
Molecular consequence: missense variant.
Genome position (GRCh38, 1-based): chr12:40,235,682, G>T. VCF-style: chr12-40235682-G-T. GRCh37 (hg19) VCF-style: chr12-40629484-G-T.
Other names: short protein forms G135V.
Identifiers: ClinVar variation 1737357 (VCV001737357.2), dbSNP rs1941418084, ClinGen allele CA384402914.

ClinVar aggregate classification (germline): Uncertain significance (1 of 4 stars; one submission).

Conditions:
Inborn genetic diseases. Identifiers: MedGen C0950123, MeSH D030342.

Allele frequency attached by ClinVar (database versions not stated): gnomAD exomes below 0.00001.
gnomAD v4.1: 1 of 1,607,704 alleles (0.000062%); highest among the groups gnomAD compares: African/African-American, 0.0013%; no homozygotes.

Submission:

Ambry Genetics
Classification: Uncertain significance for Inborn genetic diseases. Last evaluated: 2022-03-26. Review status: criteria provided, single submitter. Criteria: Ambry Variant Classification Scheme 2023. Collection method: clinical testing. Allele origin: germline.
Comment: The p.G135V variant (also known as c.404G>T), located in coding exon 4 of the LRRK2 gene, results from a G to T substitution at nucleotide position 404. The glycine at codon 135 is replaced by valine, an amino acid with dissimilar properties. This amino acid position is conserved. In addition, the in silico prediction for this alteration is inconclusive. Since supporting evidence is limited at this time, the clinical significance of this alteration remains unclear.